The following is an entry in ClinVar:

ClinVar aggregate classification (germline): Uncertain significance (1 of 4 stars; one submission).

Allele frequency attached by ClinVar (database versions not stated): gnomAD exomes below 0.00001; TOPMed 0.00001; gnomAD 0.00003.
gnomAD v4.1: 6 of 1,613,926 alleles (0.00037%); highest among the groups gnomAD compares: African/African-American, 0.0053%; no homozygotes.

Submission:

Labcorp Genetics (formerly Invitae), Labcorp
Classification: Uncertain significance. Last evaluated: 2022-10-05. Review status: criteria provided, single submitter. Criteria: Invitae Variant Classification Sherloc (09022015). Collection method: clinical testing. Allele origin: germline.
Comment: In summary, the available evidence is currently insufficient to determine the role of this variant in disease. Therefore, it has been classified as a Variant of Uncertain Significance. Algorithms developed to predict the effect of missense changes on protein structure and function output the following: SIFT: "Tolerated"; PolyPhen-2: "Possibly Damaging"; Align-GVGD: "Class C0". The tryptophan amino acid residue is found in multiple mammalian species, which suggests that this missense change does not adversely affect protein function. This variant has not been reported in the literature in individuals affected with EYS-related conditions. This variant is not present in population databases (gnomAD no frequency). This sequence change replaces leucine, which is neutral and non-polar, with tryptophan, which is neutral and slightly polar, at codon 60 of the EYS protein (p.Leu60Trp).

NM_001142800.2(EYS):c.179T>G (p.Leu60Trp)

Gene: EYS (EGF-like photoreceptor maintenance factor; minus strand). Cytogenetic location: 6q12.
Variant type: single nucleotide variant.
Coding change: c.179T>G on transcript NM_001142800.2 (MANE Select); coding-DNA position 179, T replaced by G.
Protein change: p.Leu60Trp; replaces leucine 60 with tryptophan.
Molecular consequence: missense variant.
Genome position (GRCh38, 1-based): chr6:65,495,232, A>C on the plus strand (T>G on the coding strand, the complement: EYS is on the minus strand). VCF-style: chr6-65495232-A-C. GRCh37 (hg19) VCF-style: chr6-66205125-A-C.
Other names: c.179T>G, p.Leu60Trp (NM_001142801.2, NM_001292009.2, NM_198283.2); short protein forms L60W.
Identifiers: ClinVar variation 2176648 (VCV002176648.4), dbSNP rs940403816, ClinGen allele CA140434982.